The following is an entry in ClinVar:

NM_174889.5(NDUFAF2):c.79C>T (p.Gln27Ter)

Gene: NDUFAF2 (NADH:ubiquinone oxidoreductase complex assembly factor 2; plus strand). Cytogenetic location: 5q12.1.
Variant type: single nucleotide variant.
Coding change: c.79C>T on transcript NM_174889.5 (MANE Select); coding-DNA position 79, C replaced by T.
Protein change: p.Gln27Ter; replaces glutamine 27 with a stop codon.
Molecular consequence: nonsense.
Genome position (GRCh38, 1-based): chr5:60,945,334, C>T. VCF-style: chr5-60945334-C-T. GRCh37 (hg19) VCF-style: chr5-60241161-C-T.
Other names: short protein forms Q27*.
Identifiers: ClinVar variation 488707 (VCV000488707.2), dbSNP rs1554076318, ClinGen allele CA359935618.

ClinVar aggregate classification (germline): Likely pathogenic (1 of 4 stars; one submission).

Allele frequency attached by ClinVar (database versions not stated): gnomAD exomes below 0.00001.
gnomAD v4.1: 1 of 1,614,118 alleles (0.000062%); highest among the groups gnomAD compares: South Asian, 0.0011%; no homozygotes.

Submission:

GeneDx
Classification: Likely pathogenic. Last evaluated: 2016-11-10. Review status: criteria provided, single submitter. Criteria: GeneDx Variant Classification (06012015). Collection method: clinical testing. Allele origin: germline. Affected: yes.
Comment: The Q27X variant in the NDUFAF2 gene has not been reported previously as a disease-causing mutation nor as a benign polymorphism, to our knowledge. This variant is predicted to cause loss of normal protein function either through protein truncation or nonsense-mediated mRNA decay. The Q27X variant was not observed in approximately 6500 individuals of European and African American ancestry in the NHLBI Exome Sequencing Project, indicating it is not a common benign variant in these populations. We interpret Q27X as a likely pathogenic variant.